The following is an entry in ClinVar:

NM_003506.4(FZD6):c.1525C>T (p.Arg509Ter)

Gene: FZD6 (frizzled class receptor 6; plus strand). Cytogenetic location: 8q22.3.
Variant type: single nucleotide variant.
Coding change: c.1525C>T on transcript NM_003506.4 (MANE Select); coding-DNA position 1525, C replaced by T.
Protein change: p.Arg509Ter; replaces arginine 509 with a stop codon.
Molecular consequence: nonsense.
Genome position (GRCh38, 1-based): chr8:103,328,400, C>T. VCF-style: chr8-103328400-C-T. GRCh37 (hg19) VCF-style: chr8-104340628-C-T.
Other names: p.Arg509Ter; c.1525C>T, p.Arg509Ter (NM_001164615.2); c.1429C>T, p.Arg477Ter (NM_001164616.2); c.610C>T, p.Arg204Ter (NM_001317796.2); short protein forms R509*, R204*, R477*.
Identifiers: ClinVar variation 827757 (VCV000827757.3), dbSNP rs766284226, ClinGen allele CA4834966.

ClinVar aggregate classification (germline): Pathogenic. Review status: criteria provided, single submitter (1 of 4 stars). 3 submissions from 3 submitters: Pathogenic (1). 2 of the submissions do not count toward it. Last evaluated 2022-01-03.

Conditions:
Nonsyndromic congenital nail disorder 1. Also called: Twenty nail dystrophy; ONYCHODYSTROPHY TOTALIS, ISOLATED; CLAW-SHAPED NAILS; ONYCHAUXIS, HYPONYCHIA, AND ONYCHOLYSIS; NAIL DISORDER, NONSYNDROMIC CONGENITAL, 10. Identifiers: Orphanet 280654, Orphanet 79153, MedGen C0406443, MONDO:0008060, OMIM 161050.

Allele frequency attached by ClinVar (database versions not stated): gnomAD exomes 0.00002 and 0.00001; TOPMed 0.00002; ExAC 0.00002.
gnomAD v4.1: 35 of 1,611,912 alleles (0.0022%); highest among the groups gnomAD compares: Admixed American, 0.0033%; no homozygotes.

Submissions (3):

3billion
Classification: Pathogenic for Nonsyndromic congenital nail disorder 1. Last evaluated: 2022-01-03. Review status: criteria provided, single submitter. Criteria: ACMG Guidelines, 2015. Collection method: clinical testing. Allele origin: germline. Affected: yes. Observed: 1 homozygote.
Comment: Stop-gained (nonsense): predicted to result in a loss or disruption of normal protein function through nonsense-mediated decay (NMD) or protein truncation. Multiple pathogenic variants are reported downstream of the variant (PVS1_VS).The variant has been reported to be associated with FZD6 related disorder (ClinVar ID: VCV000827757, PMID:23374899). It is observed at an extremely low frequency in the gnomAD v2.1.1 dataset (total allele frequency: 0.000021, PM2_M). Therefore, this variant is classified as pathogenic according to the recommendation of ACMG/AMP guideline.

OMIM
Classification: Pathogenic for NAIL DISORDER, NONSYNDROMIC CONGENITAL, 1. Last evaluated: 2020-03-17. Review status: no assertion criteria provided. Collection method: literature only. Allele origin: germline. Not counted in ClinVar's aggregate classification.

Human Molecular Lab, Hazara University
Classification: Pathogenic for Nonsyndromic congenital nail disorder 1. Review status: no assertion criteria provided. Collection method: clinical testing. Allele origin: germline. Inheritance: Autosomal recessive inheritance. Affected: yes. Observed: 2 variant alleles, 2 homozygotes. Clinical features observed: Trachyonychia, Onychomadesis, Subungual hyperkeratosis, Psoriasiform dermatitis, Hyperpigmented skin, Ridged nail, Onycholysis, Onychogryposis, Slow rate of nail growth, Anhydrosis, Hair fall, Food allergy, and 2 more. Not counted in ClinVar's aggregate classification.
Comment: The variant c.1525C>T (p.Arg509Ter) in the FZD6 gene causes a nonsyndromic congenital nail disorder, which has previously been reported in families with an autosomal recessive mode of inheritance. In those families, the variant segregated with the disease, including both affected and unaffected members. According to our study, we observed some novel phenotypes involving the teeth, skin, and hair, in addition to the nail abnormalities with autosomal recessive mode of inheritance pattern. and segregated in all the individuals affected and unaffected.

Literature cited by the submitters: PubMed 23374899 (cited by 3billion and OMIM).